The following is an entry in ClinVar:

NM_138927.4(SON):c.755C>T (p.Thr252Ile)

Gene: SON (SON DNA and RNA binding protein; plus strand). Cytogenetic location: 21q22.11.
Variant type: single nucleotide variant.
Coding change: c.755C>T on transcript NM_138927.4 (MANE Select); coding-DNA position 755, C replaced by T.
Protein change: p.Thr252Ile; replaces threonine 252 with isoleucine.
Molecular consequence: missense variant. On other transcripts: non-coding transcript variant (1), intron variant (1).
Genome position (GRCh38, 1-based): chr21:33,549,986, C>T. VCF-style: chr21-33549986-C-T. GRCh37 (hg19) VCF-style: chr21-34922292-C-T.
Other names: c.755C>T, p.Thr252Ile (NM_001291411.2, NM_001412133.1, NM_032195.3 and 2 more transcripts); c.244+3607C>T (NM_001291412.3); short protein forms T252I.
Identifiers: ClinVar variation 2192881 (VCV002192881.4), dbSNP rs754414961, ClinGen allele CA10008743.

ClinVar aggregate classification (germline): Uncertain significance (1 of 4 stars; one submission).

Allele frequency attached by ClinVar (database versions not stated): ExAC 0.00002; TOPMed 0.00002; gnomAD 0.00003; gnomAD exomes 0.00004.

Submission:

Labcorp Genetics (formerly Invitae), Labcorp
Classification: Uncertain significance. Last evaluated: 2024-05-22. Review status: criteria provided, single submitter. Criteria: Invitae Variant Classification Sherloc (09022015). Collection method: clinical testing. Allele origin: germline.
Comment: This sequence change replaces threonine, which is neutral and polar, with isoleucine, which is neutral and non-polar, at codon 252 of the SON protein (p.Thr252Ile). This variant is present in population databases (rs754414961, gnomAD 0.004%). This variant has not been reported in the literature in individuals affected with SON-related conditions. ClinVar contains an entry for this variant (Variation ID: 2192881). An algorithm developed to predict the effect of missense changes on protein structure and function (PolyPhen-2) suggests that this variant is likely to be disruptive. In summary, the available evidence is currently insufficient to determine the role of this variant in disease. Therefore, it has been classified as a Variant of Uncertain Significance.